The following is an entry in ClinVar:

NM_014244.5(ADAMTS2):c.*1573A>C

Gene: ADAMTS2 (ADAM metallopeptidase with thrombospondin type 1 motif 2; minus strand). Cytogenetic location: 5q35.3.
Variant type: single nucleotide variant.
Coding change: c.*1573A>C on transcript NM_014244.5 (MANE Select); 1573 bases downstream of the stop codon, A replaced by C.
Molecular consequence: 3 prime UTR variant.
Genome position (GRCh38, 1-based): chr5:179,112,294, T>G on the plus strand (A>C on the coding strand, the complement: ADAMTS2 is on the minus strand). VCF-style: chr5-179112294-T-G. GRCh37 (hg19) VCF-style: chr5-178539295-T-G.
Identifiers: ClinVar variation 353062 (VCV000353062.5), dbSNP rs560216364, ClinGen allele CA10621475.

ClinVar aggregate classification (germline): Likely benign (1 of 4 stars; one submission).

Conditions:
Ehlers-Danlos syndrome, dermatosparaxis type. Also called: EDS VIIC; Dermatosparaxis; Ehlers-Danlos syndrome, type VII, autosomal recessive. Identifiers: Orphanet 1901, MedGen C2700425, MONDO:0009161, OMIM 225410.

Allele frequency attached by ClinVar (database versions not stated): gnomAD 0.00076 and 0.00080; 1000 Genomes Project 30x 0.00078; 1000 Genomes Project 0.00080; TOPMed 0.00098.

Submission:

Illumina Laboratory Services, Illumina
Classification: Likely benign for Ehlers-Danlos syndrome, dermatosparaxis type. Last evaluated: 2018-01-12. Review status: criteria provided, single submitter. Criteria: ICSL Variant Classification Criteria 13 December 2019. Collection method: clinical testing. Allele origin: germline.
Comment: This variant was observed in the ICSL laboratory as part of a predisposition screen in an ostensibly healthy population. It had not been previously curated by ICSL or reported in the Human Gene Mutation Database (HGMD: prior to June 1st, 2018), and was therefore a candidate for classification through an automated scoring system. Utilizing variant allele frequency, disease prevalence and penetrance estimates, and inheritance mode, an automated score was calculated to assess if this variant is too frequent to cause the disease. Based on the score and internal cut-off values, a variant classified as likely benign is not then subjected to further curation. The score for this variant resulted in a classification of likely benign for this disease.